The following is an entry in ClinVar:

NM_000273.3(GPR143):c.363G>A (p.Met121Ile)

Gene: GPR143 (G protein-coupled receptor 143; minus strand). Cytogenetic location: Xp22.2.
Variant type: single nucleotide variant.
Coding change: c.363G>A on transcript NM_000273.3 (MANE Select); coding-DNA position 363, G replaced by A.
Protein change: p.Met121Ile; replaces methionine 121 with isoleucine.
Molecular consequence: missense variant.
Genome position (GRCh38, 1-based): chrX:9,759,424, C>T on the plus strand (G>A on the coding strand, the complement: GPR143 is on the minus strand). VCF-style: chrX-9759424-C-T. GRCh37 (hg19) VCF-style: chrX-9727464-C-T.
Other names: c.363G>A (NM_000273.2); short protein forms M121I.
Identifiers: ClinVar variation 1414677 (VCV001414677.9), dbSNP rs141573793, ClinGen allele CA10345039.

ClinVar aggregate classification (germline): Conflicting classifications of pathogenicity. Review status: criteria provided, conflicting classifications (1 of 4 stars). 4 submissions from 4 submitters: Uncertain significance (3); Likely benign (1). Last evaluated 2024-08-13.

Conditions:
Inborn genetic diseases. Identifiers: MedGen C0950123, MeSH D030342.

Allele frequency attached by ClinVar (database versions not stated): gnomAD 0.00002; gnomAD exomes 0.00003 and 0.00006; ExAC 0.00005; TOPMed 0.00006; ESP Exome Variant Server 0.00009.

Submissions (4):

Labcorp Genetics (formerly Invitae), Labcorp
Classification: Uncertain significance. Last evaluated: 2024-08-13. Review status: criteria provided, single submitter. Criteria: Invitae Variant Classification Sherloc (09022015). Collection method: clinical testing. Allele origin: germline.
Comment: This sequence change replaces methionine, which is neutral and non-polar, with isoleucine, which is neutral and non-polar, at codon 121 of the GPR143 protein (p.Met121Ile). This variant is present in population databases (rs141573793, gnomAD 0.02%). This variant has not been reported in the literature in individuals affected with GPR143-related conditions. ClinVar contains an entry for this variant (Variation ID: 1414677). An algorithm developed to predict the effect of missense changes on protein structure and function (PolyPhen-2) suggests that this variant¬†is likely to be tolerated. In summary, the available evidence is currently insufficient to determine the role of this variant in disease. Therefore, it has been classified as a Variant of Uncertain Significance.

Blueprint Genetics
Classification: Likely benign. Last evaluated: 2024-06-26. Review status: criteria provided, single submitter. Criteria: ACMG Guidelines, 2015. Collection method: clinical testing. Allele origin: germline.

Ambry Genetics
Classification: Uncertain significance for Inborn genetic diseases. Last evaluated: 2022-01-27. Review status: criteria provided, single submitter. Criteria: Ambry Variant Classification Scheme 2023. Collection method: clinical testing. Allele origin: germline.

Revvity Omics, Revvity
Classification: Uncertain significance. Last evaluated: 2019-10-17. Review status: criteria provided, single submitter. Criteria: ACMG Guidelines, 2015. Collection method: clinical testing. Allele origin: germline.